The following is an entry in ClinVar:

NM_015599.3(PGM3):c.1592C>T (p.Ala531Val)

Genes: DOP1A (DOP1 leucine zipper like protein A; plus strand), PGM3 (phosphoglucomutase 3; minus strand). Cytogenetic location: 6q14.1.
Variant type: single nucleotide variant.
Coding change: c.1592C>T on transcript NM_015599.3 (MANE Select); coding-DNA position 1592, C replaced by T.
Protein change: p.Ala531Val; replaces alanine 531 with valine.
Molecular consequence: missense variant. On other transcripts: 3 prime UTR variant (1), non-coding transcript variant (1).
Genome position (GRCh38, 1-based): chr6:83,169,271, G>A on the plus strand (C>T on the coding strand, the complement: PGM3 is on the minus strand). VCF-style: chr6-83169271-G-A. GRCh37 (hg19) VCF-style: chr6-83878990-G-A.
Other names: c.1676C>T, p.Ala559Val (NM_001199917.2, NM_001367287.1); c.*27C>T (NM_001199918.2); c.1592C>T, p.Ala531Val (NM_001199919.2); c.1469C>T, p.Ala490Val (NM_001367286.1); short protein forms A559V, A531V, A490V.
Identifiers: ClinVar variation 568676 (VCV000568676.11), dbSNP rs541410808, ClinGen allele CA141940833.

ClinVar aggregate classification (germline): Uncertain significance. Review status: criteria provided, multiple submitters, no conflicts (2 of 4 stars). 2 submissions from 2 submitters: Uncertain significance (2). Last evaluated 2024-11-19.

Conditions:
Immunodeficiency 23 (IMD23). Also called: IMMUNODEFICIENCY WITH HYPER IgE AND COGNITIVE IMPAIRMENT; IMMUNODEFICIENCY-VASCULITIS-MYOCLONUS SYNDROME. Identifiers: Orphanet 443811, MedGen C4014371, MONDO:0014353, OMIM 615816.

Allele frequency attached by ClinVar (database versions not stated): gnomAD exomes 0.00001; TOPMed 0.00001.
gnomAD v4.1: 10 of 1,613,968 alleles (0.00062%); highest among the groups gnomAD compares: Non-Finnish European, 0.00085%; no homozygotes.

Submissions (2):

Labcorp Genetics (formerly Invitae), Labcorp
Classification: Uncertain significance for Immunodeficiency 23. Last evaluated: 2024-11-19. Review status: criteria provided, single submitter. Criteria: Invitae Variant Classification Sherloc (09022015). Collection method: clinical testing. Allele origin: germline.
Comment: This sequence change replaces alanine, which is neutral and non-polar, with valine, which is neutral and non-polar, at codon 559 of the PGM3 protein (p.Ala559Val). This variant is not present in population databases (gnomAD no frequency). This missense change has been observed in individual(s) with clinical features of PGM3-congenital disorder of glycosylation (internal data). In at least one individual the data is consistent with being in trans (on the opposite chromosome) from a pathogenic variant. It has also been observed to segregate with disease in related individuals. ClinVar contains an entry for this variant (Variation ID: 568676). An algorithm developed to predict the effect of missense changes on protein structure and function (PolyPhen-2) suggests that this variant is likely to be disruptive. In summary, the available evidence is currently insufficient to determine the role of this variant in disease. Therefore, it has been classified as a Variant of Uncertain Significance.

GeneDx
Classification: Uncertain significance. Last evaluated: 2024-02-07. Review status: criteria provided, single submitter. Criteria: GeneDx Variant Classification Process June 2021. Collection method: clinical testing. Allele origin: germline. Affected: yes.
Comment: Not observed at significant frequency in large population cohorts (gnomAD); In silico analysis supports that this missense variant has a deleterious effect on protein structure/function; Has not been previously published as pathogenic or benign to our knowledge